The following is an entry in ClinVar:

NM_032447.5(FBN3):c.3210G>T (p.Met1070Ile)

Gene: FBN3 (fibrillin 3; minus strand). Cytogenetic location: 19p13.2.
Variant type: single nucleotide variant.
Coding change: c.3210G>T on transcript NM_032447.5 (MANE Select); coding-DNA position 3210, G replaced by T.
Protein change: p.Met1070Ile; replaces methionine 1070 with isoleucine.
Molecular consequence: missense variant.
Genome position (GRCh38, 1-based): chr19:8,121,259, C>A on the plus strand (G>T on the coding strand, the complement: FBN3 is on the minus strand). VCF-style: chr19-8121259-C-A. GRCh37 (hg19) VCF-style: chr19-8186143-C-A.
Other names: c.3210G>T, p.Met1070Ile (NM_001321431.2); short protein forms M1070I.
Identifiers: ClinVar variation 2421309 (VCV002421309.6), dbSNP rs760938250, ClinGen allele CA9152541.

ClinVar aggregate classification (germline): Uncertain significance (1 of 4 stars; one submission).

Allele frequency attached by ClinVar (database versions not stated): ExAC 0.00001; gnomAD exomes 0.00001.

Submission:

Labcorp Genetics (formerly Invitae), Labcorp
Classification: Uncertain significance. Last evaluated: 2022-07-19. Review status: criteria provided, single submitter. Criteria: Invitae Variant Classification Sherloc (09022015). Collection method: clinical testing. Allele origin: germline.
Comment: This variant has not been reported in the literature in individuals affected with FBN3-related conditions. This variant is present in population databases (rs760938250, gnomAD 0.007%). This sequence change replaces methionine, which is neutral and non-polar, with isoleucine, which is neutral and non-polar, at codon 1070 of the FBN3 protein (p.Met1070Ile). Algorithms developed to predict the effect of missense changes on protein structure and function are either unavailable or do not agree on the potential impact of this missense change (SIFT: "Not Available"; PolyPhen-2: "Benign"; Align-GVGD: "Not Available"). In summary, the available evidence is currently insufficient to determine the role of this variant in disease. Therefore, it has been classified as a Variant of Uncertain Significance.